The following is an entry in ClinVar:

ClinVar aggregate classification (germline): Uncertain significance. Review status: criteria provided, multiple submitters, no conflicts (2 of 4 stars). 9 submissions from 9 submitters: Uncertain significance (7). 2 of the submissions do not count toward it. Last evaluated 2025-12-15.

Conditions:
Fanconi anemia complementation group J. Also called: BRIP1-Related Fanconi Anemia. Identifiers: Orphanet 84, MedGen C1836860, MONDO:0012187, OMIM 609054.
Ovarian cancer. Also called: OVARIAN CANCER, SOMATIC. Identifiers: Orphanet 213500, MedGen C1140680, MONDO:0008170, OMIM 167000.
Hereditary cancer-predisposing syndrome. Also called: Tumor predisposition; Hereditary neoplastic syndrome; Neoplastic Syndromes, Hereditary; Hereditary Cancer Syndrome. Identifiers: Orphanet 140162, MedGen C0027672, MeSH D009386, MONDO:0015356.
Familial cancer of breast. Also called: hereditary breast carcinoma; Hereditary breast cancer; BREAST CANCER, FAMILIAL. Identifiers: Orphanet 227535, MedGen C0346153, MONDO:0016419, OMIM 114480. Disease mechanism: loss of function.

Allele frequency attached by ClinVar (database versions not stated): gnomAD exomes below 0.00001 and 0.00001; ExAC 0.00001; gnomAD 0.00001 and 0.00002; TOPMed 0.00005; ESP Exome Variant Server 0.00008.
gnomAD v4.1: 6 of 1,613,160 alleles (0.00037%); highest among the groups gnomAD compares: African/African-American, 0.008%; no homozygotes.

Submissions (9):

Labcorp Genetics (formerly Invitae), Labcorp
Classification: Uncertain significance for Familial cancer of breast; Fanconi anemia complementation group J. Last evaluated: 2025-12-15. Review status: criteria provided, single submitter. Criteria: Invitae Variant Classification Sherloc (09022015). Collection method: clinical testing. Allele origin: germline.
Comment: This sequence change replaces glycine, which is neutral and non-polar, with glutamic acid, which is acidic and polar, at codon 529 of the BRIP1 protein (p.Gly529Glu). This variant is present in population databases (rs138784299, gnomAD 0.007%). This variant has not been reported in the literature in individuals affected with BRIP1-related conditions. ClinVar contains an entry for this variant (Variation ID: 133745). Invitae Evidence Modeling of protein sequence and biophysical properties (such as structural, functional, and spatial information, amino acid conservation, physicochemical variation, residue mobility, and thermodynamic stability) has been performed for this missense variant. However, the output from this modeling did not meet the statistical confidence thresholds required to predict the impact of this variant on BRIP1 protein function. In summary, the available evidence is currently insufficient to determine the role of this variant in disease. Therefore, it has been classified as a Variant of Uncertain Significance.

Ambry Genetics
Classification: Uncertain significance for Hereditary cancer-predisposing syndrome. Last evaluated: 2025-08-01. Review status: criteria provided, single submitter. Criteria: Ambry Variant Classification Scheme 2023. Collection method: clinical testing. Allele origin: germline.
Comment: The p.G529E variant (also known as c.1586G>A), located in coding exon 10 of the BRIP1 gene, results from a G to A substitution at nucleotide position 1586. The glycine at codon 529 is replaced by glutamic acid, an amino acid with similar properties. This alteration was detected in a cohort of 681 healthy, ancestrally diverse individuals (Bodian DL et al. PLoS One. 2014 Apr 11;9(4):e94554). This amino acid position is well conserved in available vertebrate species. In addition, the in silico prediction for this alteration is inconclusive. Since supporting evidence is limited at this time, the clinical significance of this alteration remains unclear.

Women's Health and Genetics/Laboratory Corporation of America, LabCorp
Classification: Uncertain significance. Last evaluated: 2025-07-28. Review status: criteria provided, single submitter. Criteria: LabCorp Variant Classification Summary - May 2015. Collection method: clinical testing. Allele origin: germline.
Comment: Variant summary: BRIP1 c.1586G>A (p.Gly529Glu) results in a non-conservative amino acid change in the encoded protein sequence. Algorithms developed to predict the effect of missense changes on protein structure and function are either unavailable or do not agree on the potential impact of this missense change. The variant allele was found at a frequency of 8e-06 in 251346 control chromosomes. The available data on variant occurrences in the general population are insufficient to allow any conclusion about variant significance. To our knowledge, no occurrence of c.1586G>A in individuals affected with Fanconi anemia complementation group J and no experimental evidence demonstrating its impact on protein function have been reported. ClinVar contains an entry for this variant (Variation ID: 133745). Based on the evidence outlined above, the variant was classified as uncertain significance.

Quest Diagnostics Nichols Institute San Juan Capistrano
Classification: Uncertain significance. Last evaluated: 2024-02-06. Review status: criteria provided, single submitter. Criteria: Quest Diagnostics criteria. Collection method: clinical testing. Allele origin: unknown.
Comment: The BRIP1 c.1586G>A (p.Gly529Glu) variant has only been detected in reportedly healthy individual(s) in the published literature (PMID: 24728327 (2014)). The frequency of this variant in the general population, 0.000008 (2/251346 chromosomes (Genome Aggregation Database)), is uninformative in the assessment of its pathogenicity. Analysis of this variant using bioinformatics tools for the prediction of the effect of amino acid changes on protein structure and function yielded conflicting predictions that this variant is benign or damaging. Based on the available information, we are unable to determine the clinical significance of this variant.

Baylor Genetics
Classification: Uncertain significance for Familial cancer of breast. Last evaluated: 2023-10-16. Review status: criteria provided, single submitter. Criteria: ACMG Guidelines, 2015. Collection method: clinical testing. Allele origin: unknown.

Myriad Genetics, Inc.
Classification: Uncertain significance for Familial cancer of breast. Last evaluated: 2023-03-02. Review status: criteria provided, single submitter. Criteria: Myriad Autosomal Dominant, Autosomal Recessive and X-Linked Classification Criteria (2023). Collection method: clinical testing. Allele origin: unknown.
Comment: This variant is classified as a variant of uncertain significance as there is insufficient evidence to determine its impact on protein function and/or cancer risk.

Color Diagnostics, LLC DBA Color Health
Classification: Uncertain significance for Hereditary cancer-predisposing syndrome. Last evaluated: 2021-07-28. Review status: criteria provided, single submitter. Criteria: ACMG Guidelines, 2015. Collection method: clinical testing. Allele origin: germline.
Comment: This missense variant replaces glycine with glutamic acid at codon 529 of the BRIP1 protein. Computational prediction suggests that this variant may not impact protein structure and function (internally defined REVEL score threshold <= 0.5, PMID: 27666373). To our knowledge, functional studies have not been reported for this variant. This variant has not been reported in individuals affected with hereditary cancer in the literature. This variant has been identified in 2/251346 chromosomes in the general population by the Genome Aggregation Database (gnomAD). The available evidence is insufficient to determine the role of this variant in disease conclusively. Therefore, this variant is classified as a Variant of Uncertain Significance.

Counsyl
Classification: Uncertain significance for Fanconi anemia complementation group J; Ovarian cancer. Last evaluated: 2017-11-27. Review status: no assertion criteria provided. Collection method: clinical testing. Allele origin: unknown. Not counted in ClinVar's aggregate classification.

ITMI
No classification provided. Condition: AllHighlyPenetrant. Last evaluated: 2013-09-19. Review status: no classification provided. Collection method: reference population. Allele origin: germline. Not counted in ClinVar's aggregate classification.
Comment: Please see associated publication for description of ethnicities

Literature cited by the submitters: PubMed 24728327 (cited by 3 submitters); PubMed 32832836 (cited by Quest Diagnostics Nichols Institute San Juan Capistrano); PubMed 30267214 (cited by Quest Diagnostics Nichols Institute San Juan Capistrano).

NM_032043.3(BRIP1):c.1586G>A (p.Gly529Glu)

Gene: BRIP1 (BRCA1 interacting DNA helicase 1; minus strand). Cytogenetic location: 17q23.2.
Variant type: single nucleotide variant.
Coding change: c.1586G>A on transcript NM_032043.3 (MANE Select); coding-DNA position 1586, G replaced by A.
Protein change: p.Gly529Glu; replaces glycine 529 with glutamic acid.
Molecular consequence: missense variant.
Genome position (GRCh38, 1-based): chr17:61,784,312, C>T on the plus strand (G>A on the coding strand, the complement: BRIP1 is on the minus strand). VCF-style: chr17-61784312-C-T. GRCh37 (hg19) VCF-style: chr17-59861673-C-T.
Other names: short protein forms G529E.
Identifiers: ClinVar variation 133745 (VCV000133745.24), dbSNP rs138784299, ClinGen allele CA157676.
Genomic context (GRCh38, chr17:61,784,312, plus strand): 5'-CTAGTTATCTTCACTTACCTGCTATTTTGCCTAAAAAGATAGTCAAGTACCATAAAAAGT[C>T]CTTTAAGCATTATTTGAGTTGATGCACTAATAACAGGTACTTCTCTTGCCTCCTCTTTAC-3'
Protein context (NP_114432.2, residues 519-539): ISASTQIMLK[Gly529Glu]LFMVLDYLFR